The following is an entry in ClinVar:

ClinVar aggregate classification (germline): Pathogenic (1 of 4 stars; one submission).

Submission:

GeneDx
Classification: Pathogenic. Last evaluated: 2024-01-09. Review status: criteria provided, single submitter. Criteria: GeneDx Variant Classification Process June 2021. Collection method: clinical testing. Allele origin: germline. Affected: yes.
Comment: Published functional studies demonstrate a damaging effect on protein localization, DNA binding, and transactivation (PMID: 23578821); Not observed at significant frequency in large population cohorts (gnomAD); This variant is associated with the following publications: (PMID: 22711382, 21204207, 23578821)

NM_001372066.1(TFAP2A):c.715C>G (p.Arg239Gly)

Genes: TFAP2A (transcription factor AP-2 alpha; minus strand), TFAP2A-AS2 (TFAP2A antisense RNA 2; plus strand), LOC121740638 (BRD4-independent group 4 enhancer GRCh37_chr6:10403277-10404476; plus strand). Cytogenetic location: 6p24.3.
Variant type: single nucleotide variant.
Coding change: c.715C>G on transcript NM_001372066.1 (MANE Select); coding-DNA position 715, C replaced by G.
Protein change: p.Arg239Gly; replaces arginine 239 with glycine.
Molecular consequence: missense variant. On other transcripts: non-coding transcript variant (1).
Genome position (GRCh38, 1-based): chr6:10,404,563, G>C on the plus strand (C>G on the coding strand, the complement: TFAP2A is on the minus strand). VCF-style: chr6-10404563-G-C. GRCh37 (hg19) VCF-style: chr6-10404796-G-C.
Other names: c.691C>G, p.Arg231Gly (NM_001032280.3); c.697C>G, p.Arg233Gly (NM_001042425.3); short protein forms R231G, R233G, R239G.
Identifiers: ClinVar variation 3340408 (VCV003340408.1).